The following is an entry in ClinVar:

ClinVar aggregate classification (germline): Uncertain significance. Review status: criteria provided, multiple submitters, no conflicts (2 of 4 stars). 2 submissions from 2 submitters: Uncertain significance (2). Last evaluated 2025-11-01.

gnomAD v4.1: 306 of 1,613,994 alleles (0.019%); highest among the groups gnomAD compares: Non-Finnish European, 0.024%; no homozygotes.

Submissions (2):

CeGaT Center for Human Genetics Tuebingen
Classification: Uncertain significance. Last evaluated: 2025-11-01. Review status: criteria provided, single submitter. Criteria: CeGaT Center For Human Genetics Tuebingen Variant Classification Criteria Version 2. Collection method: clinical testing. Allele origin: germline. Affected: yes. Observed: 1 variant allele.

Labcorp Genetics (formerly Invitae), Labcorp
Classification: Uncertain significance. Last evaluated: 2025-03-13. Review status: criteria provided, single submitter. Criteria: Invitae Variant Classification Sherloc (09022015). Collection method: clinical testing. Allele origin: germline.
Comment: This sequence change replaces arginine, which is basic and polar, with histidine, which is basic and polar, at codon 247 of the EPAS1 protein (p.Arg247His). This variant is present in population databases (rs148453283, gnomAD 0.01%). This variant has not been reported in the literature in individuals affected with EPAS1-related conditions. An algorithm developed to predict the effect of missense changes on protein structure and function (PolyPhen-2) suggests that this variant is likely to be disruptive. In summary, the available evidence is currently insufficient to determine the role of this variant in disease. Therefore, it has been classified as a Variant of Uncertain Significance.

NM_001430.5(EPAS1):c.740G>A (p.Arg247His)

Genes: EPAS1 (endothelial PAS domain protein 1; plus strand), LOC126806210 (BRD4-independent group 4 enhancer GRCh37_chr2:46587586-46588785; plus strand). Cytogenetic location: 2p21.
Variant type: single nucleotide variant.
Coding change: c.740G>A on transcript NM_001430.5 (MANE Select); coding-DNA position 740, G replaced by A.
Protein change: p.Arg247His; replaces arginine 247 with histidine.
Molecular consequence: missense variant.
Genome position (GRCh38, 1-based): chr2:46,361,051, G>A. VCF-style: chr2-46361051-G-A. GRCh37 (hg19) VCF-style: chr2-46588190-G-A.
Other names: short protein forms R247H.
Identifiers: ClinVar variation 3665321 (VCV003665321.8).